The following is an entry in ClinVar:

NM_001282531.3(ADNP):c.2068G>A (p.Val690Ile)

Gene: ADNP (activity dependent neuroprotector homeobox; minus strand). Cytogenetic location: 20q13.13.
Variant type: single nucleotide variant.
Coding change: c.2068G>A on transcript NM_001282531.3 (MANE Select); coding-DNA position 2068, G replaced by A.
Protein change: p.Val690Ile; replaces valine 690 with isoleucine.
Molecular consequence: missense variant.
Genome position (GRCh38, 1-based): chr20:50,892,646, C>T on the plus strand (G>A on the coding strand, the complement: ADNP is on the minus strand). VCF-style: chr20-50892646-C-T. GRCh37 (hg19) VCF-style: chr20-49509183-C-T.
Other names: c.2284G>A, p.Val762Ile (NM_001439000.1); c.1384G>A, p.Val462Ile (NM_001439001.1); c.2068G>A, p.Val690Ile (NM_015339.5, NM_181442.4, NM_001282532.2 and 1 more transcripts); short protein forms V462I, V690I, V762I.
Identifiers: ClinVar variation 4848767 (VCV004848767.1).

ClinVar aggregate classification (germline): Uncertain significance (1 of 4 stars; one submission).

Submission:

Women's Health and Genetics/Laboratory Corporation of America, LabCorp
Classification: Uncertain significance. Last evaluated: 2026-04-07. Review status: criteria provided, single submitter. Criteria: LabCorp Variant Classification Summary - May 2015. Collection method: clinical testing. Allele origin: germline.
Comment: Variant summary: ADNP c.2068G>A (p.Val690Ile) results in a conservative amino acid change in the encoded protein sequence. Algorithms developed to predict the effect of missense changes on protein structure and function are either unavailable or do not agree on the potential impact of this missense change. The variant allele was found at a frequency of 8e-06 in 251376 control chromosomes. The available data on variant occurrences in the general population are insufficient to allow any conclusion about variant significance. To our knowledge, no occurrence of c.2068G>A in individuals affected with ADNP-related conditions and no experimental evidence demonstrating its impact on protein function have been reported. No submitters have cited clinical-significance assessments for this variant to ClinVar. Based on the evidence outlined above, the variant was classified as uncertain significance.